The following is an entry in ClinVar:

NM_000512.5(GALNS):c.769G>A (p.Ala257Thr)

Gene: GALNS (galactosamine (N-acetyl)-6-sulfatase; minus strand). Cytogenetic location: 16q24.3.
Variant type: single nucleotide variant.
Coding change: c.769G>A on transcript NM_000512.5 (MANE Select); coding-DNA position 769, G replaced by A.
Protein change: p.Ala257Thr; replaces alanine 257 with threonine.
Molecular consequence: missense variant.
Genome position (GRCh38, 1-based): chr16:88,835,342, C>T on the plus strand (G>A on the coding strand, the complement: GALNS is on the minus strand). VCF-style: chr16-88835342-C-T. GRCh37 (hg19) VCF-style: chr16-88901750-C-T.
Other names: c.769G>A (NM_000512.4); c.214G>A, p.Ala72Thr (NM_001323543.2); c.787G>A, p.Ala263Thr (NM_001323544.2); short protein forms A257T, A263T, A72T.
Identifiers: ClinVar variation 1048302 (VCV001048302.5), dbSNP rs773283163, ClinGen allele CA8234980.

ClinVar aggregate classification (germline): Uncertain significance. Review status: criteria provided, multiple submitters, no conflicts (2 of 4 stars). 3 submissions from 3 submitters: Uncertain significance (3). Last evaluated 2025-06-04.

Conditions:
Mucopolysaccharidosis, MPS-IV-A (MPS4A). Also called: Mucopolysaccharidosis type IV A; Mucopolysaccharidosis Type IVA; Morquio syndrome A, mild; MORQUIO SYNDROME A; MPS IVA; mucopolysaccharidosis type 4A. Identifiers: Orphanet 309297, Orphanet 582, MedGen C0086651, MONDO:0009659, OMIM 253000.

Allele frequency attached by ClinVar (database versions not stated): gnomAD 0.00001 and 0.00002; gnomAD exomes 0.00001 and 0.00003; TOPMed 0.00002; ExAC 0.00003.

Submissions (3):

GeneDx
Classification: Uncertain significance. Last evaluated: 2025-06-04. Review status: criteria provided, single submitter. Criteria: GeneDx Variant Classification Process June 2021. Collection method: clinical testing. Allele origin: germline. Affected: yes.
Comment: In silico analysis suggests that this missense variant does not alter protein structure/function; Not observed at significant frequency in large population cohorts (gnomAD); This variant is associated with the following publications: (PMID: 22940367, 25287660, 34387910, 25501214, 9521421)

Fulgent Genetics
Classification: Uncertain significance for Mucopolysaccharidosis, MPS-IV-A. Last evaluated: 2021-07-12. Review status: criteria provided, single submitter. Criteria: ACMG Guidelines, 2015. Collection method: clinical testing. Allele origin: unknown.

Laboratory of Diagnosis and Therapy of Lysosomal Disorders, University of Padova
Classification: Uncertain significance for Mucopolysaccharidosis, MPS-IV-A. Last evaluated: 2021-02-01. Review status: criteria provided, single submitter. Criteria: ACMG Guidelines, 2015. Collection method: curation. Allele origin: germline. Affected: yes.
Comment: Absent from gnomAD v2.1.1 (PM2_moderate); multiple lines of computational evidence support a deleterious effect on the gene (PP3_supporting)

Literature cited by the submitters: PubMed 9521421 (cited by Laboratory of Diagnosis and Therapy of Lysosomal Disorders, University of Padova); PubMed 34387910 (cited by Laboratory of Diagnosis and Therapy of Lysosomal Disorders, University of Padova).